The following is an entry in ClinVar:

NM_001003694.2(BRPF1):c.635A>C (p.Glu212Ala)

Gene: BRPF1 (bromodomain and PHD finger containing 1; plus strand). Cytogenetic location: 3p25.3.
Variant type: single nucleotide variant.
Coding change: c.635A>C on transcript NM_001003694.2 (MANE Select); coding-DNA position 635, A replaced by C.
Protein change: p.Glu212Ala; replaces glutamic acid 212 with alanine.
Molecular consequence: missense variant. On other transcripts: non-coding transcript variant (1).
Genome position (GRCh38, 1-based): chr3:9,739,034, A>C. VCF-style: chr3-9739034-A-C. GRCh37 (hg19) VCF-style: chr3-9780718-A-C.
Other names: c.635A>C, p.Glu212Ala (NM_001319049.2, NM_001319050.2, NM_001410704.1 and 1 more transcripts); short protein forms E212A.
Identifiers: ClinVar variation 3900349 (VCV003900349.2).

ClinVar aggregate classification (germline): Uncertain significance (1 of 4 stars; one submission).

Submission:

GeneDx
Classification: Uncertain significance. Last evaluated: 2026-05-04. Review status: criteria provided, single submitter. Criteria: GeneDx Variant Classification Process June 2021. Collection method: clinical testing. Allele origin: germline.
Comment: Not observed at significant frequency in large population cohorts (gnomAD); In silico analysis supports that this missense variant has a deleterious effect on protein structure/function; Has not been previously published as pathogenic or benign to our knowledge